The following is an entry in ClinVar:

ClinVar aggregate classification (germline): Pathogenic. Review status: reviewed by expert panel (3 of 4 stars). 3 submissions from 3 submitters: Pathogenic (1). 2 of the submissions do not count toward it. Last evaluated 2025-07-01.

Conditions:
Glycogen storage disease, type II (IOPD). Also called: POMPE DISEASE, INFANTILE-ONSET; GLYCOGEN STORAGE DISEASE II, INFANTILE-ONSET; ACID ALPHA-GLUCOSIDASE DEFICIENCY, INFANTILE-ONSET; GAA DEFICIENCY, INFANTILE-ONSET; ACID MALTASE DEFICIENCY, INFANTILE-ONSET; Glucosidase acid-1,4-alpha deficiency. Identifiers: Orphanet 365, MedGen C0017921, MONDO:0009290, OMIM 232300.

Submissions (3):

ClinGen Lysosomal Storage Disorder Variant Curation Expert Panel
Classification: Pathogenic for Glycogen storage disease, type II. Last evaluated: 2025-07-01. Review status: reviewed by expert panel. Criteria: clingen_lsd_acmg_specifications_v2-1. Collection method: curation. Allele origin: germline. Inheritance: Autosomal recessive inheritance.
Comment: The NM_000152.5:c.1497G>A (p.Trp499Ter) variant in GAA is a nonsense variant predicted to cause a premature stop codon in biologically-relevant-exon 10 (GAA has 20 exons), leading to nonsense mediated decay in a gene in which loss-of-function is an established disease mechanism (PVS1). At least one patient homozygous for this variant had documented GAA deficiency with <10% of normal mean control level of GAA activity and is described as having cross-reactive immunologic material (CRIM)-negative infantile-onset Pompe disease (IOPD) (PMID: 29422078) (PP4_moderate). Two additional patients have been reported as having CRIM-negative IOPD based on cultured fibroblast western blot analysis (PMID: 22252923) but specific clinical information is not provided. At least one individual is described as having Pompe disease with symptom onset in early childhood and GAA enzyme activity that is 15% of normal in leukocytes (PMID: 11071489). This individual was compound heterozygous for the variant and a second known pathogenic variant, c.971C>T (PM3). Two additional individuals that were homozygous for the variant were described as having symptoms consistent with IOPD, but analysis of GAA enzyme activity was completed (PMID: 32125626). This variant is absent in gnomAD v4.1.0. (PM2_Supporting). There is a ClinVar entry for this variant (Variation ID: 1711447). In summary, this variant meets the criteria to be classified as pathogenic for Pompe disease based on the GAA-specific ACMG/AMP criteria applied, as specified by the ClinGen Lysosomal Diseases Variant Curation Expert panel (Specifications Version 2.0): PVS1, PP4_moderate, PM3, PM2_supporting (Classification approved by the ClinGen Lysosomal Diseases Variant Curation Expert Panel on July 1, 2025)

Genomenon, Inc
Classification: Pathogenic for Glycogen storage disease, type II. Last evaluated: 2026-07-01. Review status: criteria provided, single submitter. Criteria: Genomenon Sequence Variant Interpretation Standards - Updated. Collection method: curation. Allele origin: germline. Affected: yes. Not counted in ClinVar's aggregate classification.
Comment: GAA p.Trp499Ter (c.1497G>A) is a nonsense variant that introduces a premature stop codon at amino acid position 499 and is predicted to result in a truncated or absent protein product. This variant has been observed in at least one proband with a GAA-related disorder (PMID:32125626;29422078). It is absent or not present at a significant frequency in gnomAD. In conclusion, we classify GAA p.Trp499Ter (c.1497G>A) as a pathogenic variant.

CeGaT Center for Human Genetics Tuebingen
Classification: Pathogenic. Last evaluated: 2022-09-01. Review status: criteria provided, single submitter. Criteria: CeGaT Center For Human Genetics Tuebingen Variant Classification Criteria Version 2. Collection method: clinical testing. Allele origin: germline. Affected: yes. Observed: 1 variant allele. Not counted in ClinVar's aggregate classification.
Comment: GAA: PVS1, PM2, PP4:Moderate

Literature cited by the submitters: PubMed 32125626 (cited by Genomenon, Inc); PubMed 29422078 (cited by Genomenon, Inc).

NM_000152.5(GAA):c.1497G>A (p.Trp499Ter)

Gene: GAA (alpha glucosidase; plus strand). Cytogenetic location: 17q25.3.
Variant type: single nucleotide variant.
Coding change: c.1497G>A on transcript NM_000152.5 (MANE Select); coding-DNA position 1497, G replaced by A.
Protein change: p.Trp499Ter; replaces tryptophan 499 with a stop codon.
Molecular consequence: nonsense.
Genome position (GRCh38, 1-based): chr17:80,110,786, G>A. VCF-style: chr17-80110786-G-A. GRCh37 (hg19) VCF-style: chr17-78084585-G-A.
Other names: NM_000152.5(GAA):c.1497G>A; p.Trp499Ter; c.1497G>A, p.Trp499Ter (NM_001079803.3, NM_001079804.3, NM_001406741.1 and 1 more transcripts); short protein forms W499*.
Identifiers: ClinVar variation 1711447 (VCV001711447.31), dbSNP rs2510373982, ClinGen allele CA401367008.